The following is an entry in ClinVar:

ClinVar aggregate classification (germline): Benign. Review status: criteria provided, multiple submitters, no conflicts (2 of 4 stars). 11 submissions from 11 submitters: Benign (9). 2 of the submissions do not count toward it. Last evaluated 2026-02-04.

Conditions:
Cardiovascular phenotype. Identifiers: MedGen CN230736.
Episodic pain syndrome, familial, 2 (FEPS2). Identifiers: Orphanet 306577, MedGen C3809893, MONDO:0014246, OMIM 615551.
Brugada syndrome. Also called: Sudden unexpected nocturnal death syndrome; Sudden unexplained nocturnal death syndrome; Sudden Unexplained Death Syndrome; Sudden Unexplained Nocturnal Death Syndrome (SUNDS). Identifiers: Orphanet 130, MedGen C1142166, MONDO:0015263.

Allele frequency attached by ClinVar (database versions not stated): TOPMed 0.19312; gnomAD 0.20158 and 0.20510; 1000 Genomes Project 30x 0.20206; ESP Exome Variant Server 0.20301; 1000 Genomes Project 0.20767; gnomAD exomes 0.23311 and 0.24176; ExAC 0.24302.
gnomAD v4.1: 378,078 of 1,588,222 alleles (24%); highest among the groups gnomAD compares: East Asian, 42%; 47,347 homozygotes.

Submissions (11):

Labcorp Genetics (formerly Invitae), Labcorp
Classification: Benign for Brugada syndrome. Last evaluated: 2026-02-04. Review status: criteria provided, single submitter. Criteria: Invitae Variant Classification Sherloc (09022015). Collection method: clinical testing. Allele origin: germline.

Women's Health and Genetics/Laboratory Corporation of America, LabCorp
Classification: Benign. Last evaluated: 2023-04-09. Review status: criteria provided, single submitter. Criteria: LabCorp Variant Classification Summary - May 2015. Collection method: clinical testing. Allele origin: germline.

Genome-Nilou Lab
Classification: Benign for Episodic pain syndrome, familial, 2. Last evaluated: 2021-07-15. Review status: criteria provided, single submitter. Criteria: ACMG Guidelines, 2015. Collection method: clinical testing. Allele origin: germline. Affected: no.

Ambry Genetics
Classification: Benign for Cardiovascular phenotype. Last evaluated: 2018-12-21. Review status: criteria provided, single submitter. Criteria: Ambry Variant Classification Scheme 2023. Collection method: clinical testing. Allele origin: germline.

Mayo Clinic Laboratories, Mayo Clinic
Classification: Benign. Last evaluated: 2017-07-25. Review status: criteria provided, single submitter. Criteria: ACMG Guidelines, 2015. Collection method: clinical testing. Allele origin: germline. Observed: 607 variant alleles.

Molecular Diagnostic Laboratory for Inherited Cardiovascular Disease, Montreal Heart Institute
Classification: Benign. Last evaluated: 2017-05-18. Review status: criteria provided, single submitter. Criteria: ACMG Guidelines, 2015. Collection method: clinical testing. Allele origin: germline. Affected: yes.

GeneDx
Classification: Benign. Last evaluated: 2016-09-23. Review status: criteria provided, single submitter. Criteria: GeneDx Variant Classification (06012015). Collection method: clinical testing. Allele origin: germline. Affected: yes.
Comment: This variant is considered likely benign or benign based on one or more of the following criteria: it is a conservative change, it occurs at a poorly conserved position in the protein, it is predicted to be benign by multiple in silico algorithms, and/or has population frequency not consistent with disease.

Breakthrough Genomics
Classification: Benign. Review status: criteria provided, single submitter. Criteria: ACMG Guidelines, 2015. Collection method: not provided. Allele origin: germline. Inheritance: Autosomal dominant inheritance. Affected: yes.

PreventionGenetics, part of Exact Sciences
Classification: Benign. Review status: criteria provided, single submitter. Criteria: ACMG Guidelines, 2015. Collection method: clinical testing. Allele origin: germline.

Clinical Genetics, Academic Medical Center
Classification: Benign. Review status: no assertion criteria provided. Collection method: clinical testing. Allele origin: germline. Affected: yes. Study: VKGL Data-share Consensus. Not counted in ClinVar's aggregate classification.

Joint Genome Diagnostic Labs from Nijmegen and Maastricht, Radboudumc and MUMC+
Classification: Benign. Review status: no assertion criteria provided. Collection method: clinical testing. Allele origin: germline. Affected: yes. Study: VKGL Data-share Consensus. Not counted in ClinVar's aggregate classification.

NM_006514.4(SCN10A):c.1476C>T (p.Leu492=)

Gene: SCN10A (sodium voltage-gated channel alpha subunit 10; minus strand). Cytogenetic location: 3p22.2.
Variant type: single nucleotide variant.
Coding change: c.1476C>T on transcript NM_006514.4 (MANE Select); coding-DNA position 1476, C replaced by T.
Protein change: p.Leu492=; no amino-acid change (leucine 492 retained).
Molecular consequence: synonymous variant. On other transcripts: intron variant (1).
Genome position (GRCh38, 1-based): chr3:38,752,498, G>A on the plus strand (C>T on the coding strand, the complement: SCN10A is on the minus strand). VCF-style: chr3-38752498-G-A. GRCh37 (hg19) VCF-style: chr3-38793989-G-A.
Other names: p.Leu492=; c.1476C>T, p.Leu492= (NM_001293306.2); c.1462-2314C>T (NM_001293307.2).
Identifiers: ClinVar variation 259992 (VCV000259992.22), dbSNP rs7617919, ClinGen allele CA2320841.